The following is an entry in ClinVar:

NM_006206.6(PDGFRA):c.1015G>A (p.Val339Met)

Gene: PDGFRA (platelet derived growth factor receptor alpha; plus strand). Cytogenetic location: 4q12.
Variant type: single nucleotide variant.
Coding change: c.1015G>A on transcript NM_006206.6 (MANE Select); coding-DNA position 1015, G replaced by A.
Protein change: p.Val339Met; replaces valine 339 with methionine.
Molecular consequence: missense variant.
Genome position (GRCh38, 1-based): chr4:54,267,635, G>A. VCF-style: chr4-54267635-G-A. GRCh37 (hg19) VCF-style: chr4-55133802-G-A.
Other names: c.1015G>A, p.Val339Met (NM_001347827.2, NM_001347829.2); c.1090G>A, p.Val364Met (NM_001347828.2); c.1054G>A, p.Val352Met (NM_001347830.2); short protein forms V339M, V352M, V364M.
Identifiers: ClinVar variation 1010276 (VCV001010276.17), dbSNP rs747257877, ClinGen allele CA356891616.
Genomic context (GRCh38, chr4:54,267,635, plus strand): 5'-CCCACCTTCAGCCAGTTGGAAGCTGTCAACCTGCATGAAGTCAAACATTTTGTTGTAGAG[G>A]TGCGGGCCTACCCACCTCCCAGGATATCCTGGCTGAAAAACAATCTGACTCTGATTGAAA-3'
Protein context (NP_006197.1, residues 329-349): LHEVKHFVVE[Val339Met]RAYPPPRISW

ClinVar aggregate classification (germline): Uncertain significance (1 of 4 stars; one submission).

Conditions:
Gastrointestinal stromal tumor. Also called: Gastrointestinal stromal tumor, somatic; Gastrointestinal stroma tumor. Identifiers: Orphanet 44890, MedGen C0238198, MeSH D046152, MONDO:0011719, OMIM 606764, HP:0100723.

Submission:

Labcorp Genetics (formerly Invitae), Labcorp
Classification: Uncertain significance for Gastrointestinal stromal tumor. Last evaluated: 2023-03-31. Review status: criteria provided, single submitter. Criteria: Invitae Variant Classification Sherloc (09022015). Collection method: clinical testing. Allele origin: germline.
Comment: This variant has not been reported in the literature in individuals affected with PDGFRA-related conditions. This sequence change replaces valine, which is neutral and non-polar, with methionine, which is neutral and non-polar, at codon 339 of the PDGFRA protein (p.Val339Met). This variant is not present in population databases (gnomAD no frequency). ClinVar contains an entry for this variant (Variation ID: 1010276). Advanced modeling of protein sequence and biophysical properties (such as structural, functional, and spatial information, amino acid conservation, physicochemical variation, residue mobility, and thermodynamic stability) performed at Invitae indicates that this missense variant is not expected to disrupt PDGFRA protein function. In summary, the available evidence is currently insufficient to determine the role of this variant in disease. Therefore, it has been classified as a Variant of Uncertain Significance.